The following is an entry in ClinVar:

ClinVar aggregate classification (germline): Uncertain significance (1 of 4 stars; one submission).

Conditions:
Ataxia-telangiectasia syndrome (AT). Also called: LOUIS-BAR SYNDROME; Cerebello-oculocutaneous telangiectasia; Immunodeficiency with ataxia telangiectasia; Ataxia-telangiectasia, complementation group E; Ataxia-telangiectasia, complementation group D; AT, COMPLEMENTATION GROUP C. Identifiers: Orphanet 100, MedGen C0004135, MONDO:0008840, OMIM 208900.

Submission:

Neuberg Centre For Genomic Medicine, NCGM
Classification: Uncertain significance for Ataxia-telangiectasia syndrome. Review status: criteria provided, single submitter. Criteria: ACMG Guidelines, 2015. Collection method: clinical testing. Allele origin: germline. Inheritance: Autosomal recessive inheritance. Affected: yes.
Comment: The missense variant c.6391G>C (p.Ala2131Pro) in ATM gene has not been reported previously as a pathogenic variant nor as a benign variant, to our knowledge. The p.Ala2131Pro variant is novel (not in any individuals) in gnomAD exomes and 1000 Genomes. This variant has not been reported to the ClinVar database. The amino acid Ala at position 2131 is changed to a Pro changing protein sequence and it might alter its composition and physico-chemical properties. The amino acid change p.Ala2131Pro in ATM is predicted as conserved by GERP++ and PhyloP across 100 vertebrates. For these reasons, this variant has been classified as Uncertain Significance.

NM_000051.4(ATM):c.6391G>C (p.Ala2131Pro)

Genes: ATM (ATM serine/threonine kinase; plus strand), C11orf65 (chromosome 11 open reading frame 65; minus strand). Cytogenetic location: 11q22.3.
Variant type: single nucleotide variant.
Coding change: c.6391G>C on transcript NM_000051.4 (MANE Select); coding-DNA position 6391, G replaced by C.
Protein change: p.Ala2131Pro; replaces alanine 2131 with proline.
Molecular consequence: missense variant. On other transcripts: intron variant (2).
Genome position (GRCh38, 1-based): chr11:108,319,997, G>C. VCF-style: chr11-108319997-G-C. GRCh37 (hg19) VCF-style: chr11-108190724-G-C.
Other names: c.6391G>C, p.Ala2131Pro (NM_001351834.2); c.641-10926C>G (NM_001330368.2); c.*39-10926C>G (NM_001351110.2); short protein forms A2131P.
Identifiers: ClinVar variation 2585047 (VCV002585047.1), dbSNP rs2085081643, ClinGen allele CA382553337.